The following is an entry in ClinVar:

NM_001270974.2(HYDIN):c.11494C>T (p.Arg3832Cys)

Gene: HYDIN (HYDIN axonemal central pair apparatus protein; minus strand). Cytogenetic location: 16q22.2.
Variant type: single nucleotide variant.
Coding change: c.11494C>T on transcript NM_001270974.2 (MANE Select); coding-DNA position 11494, C replaced by T.
Protein change: p.Arg3832Cys; replaces arginine 3832 with cysteine.
Molecular consequence: missense variant.
Genome position (GRCh38, 1-based): chr16:70,863,160, G>A on the plus strand (C>T on the coding strand, the complement: HYDIN is on the minus strand). VCF-style: chr16-70863160-G-A. GRCh37 (hg19) VCF-style: chr16-70897063-G-A.
Other names: short protein forms R3832C.
Identifiers: ClinVar variation 2646706 (VCV002646706.24), dbSNP rs201571332, ClinGen allele CA8148989.
Genomic context (GRCh38, chr16:70,863,160, plus strand): 5'-TTGCAAAGCTGACTGCCTTTGAGGTATCTTCTGAGACCCAGCTGAATTCCAGCTGGACAC[G>A]TCCTGAATTAATCACATCGAACCTGCAAATCGATCAGGGAGCAGATTTGAGAAATGTGCT-3'
Protein context (NP_001257903.1, residues 3822-3842): VFEFDVINSG[Arg3832Cys]VQLEFSWVSE

ClinVar aggregate classification (germline): Likely benign (1 of 4 stars; one submission).

Allele frequency attached by ClinVar (database versions not stated): 1000 Genomes Project 30x 0.00031; 1000 Genomes Project 0.00040; TOPMed 0.00040; ESP Exome Variant Server 0.00042; gnomAD exomes 0.00067; ExAC 0.00111; gnomAD 0.00130.
gnomAD v4.1: 1,154 of 1,613,722 alleles (0.072%); highest among the groups gnomAD compares: Non-Finnish European, 0.053%; 11 homozygotes.

Submission:

CeGaT Center for Human Genetics Tuebingen
Classification: Likely benign. Last evaluated: 2026-04-01. Review status: criteria provided, single submitter. Criteria: CeGaT Center For Human Genetics Tuebingen Variant Classification Criteria Version 2. Collection method: clinical testing. Allele origin: germline. Affected: yes. Observed: 6 variant alleles.
Comment: HYDIN: BP4, BS2